The following is an entry in ClinVar:

ClinVar aggregate classification (germline): Conflicting classifications of pathogenicity. Review status: criteria provided, conflicting classifications (1 of 4 stars). 2 submissions from 2 submitters: Uncertain significance (1); Likely benign (1). Last evaluated 2025-02-16.

Submissions (2):

Laboratory of Genetics, Children's Clinical University Hospital Latvia
Classification: Likely benign. Last evaluated: 2025-02-16. Review status: criteria provided, single submitter. Criteria: ACMG Guidelines, 2015. Collection method: clinical testing. Allele origin: germline. Affected: yes.

Labcorp Genetics (formerly Invitae), Labcorp
Classification: Uncertain significance. Last evaluated: 2024-10-30. Review status: criteria provided, single submitter. Criteria: Invitae Variant Classification Sherloc (09022015). Collection method: clinical testing. Allele origin: germline.
Comment: This sequence change replaces lysine, which is basic and polar, with arginine, which is basic and polar, at codon 170 of the FOXC2 protein (p.Lys170Arg). This variant is present in population databases (rs747011789, gnomAD 0.06%), and has an allele count higher than expected for a pathogenic variant. This variant has not been reported in the literature in individuals affected with FOXC2-related conditions. An algorithm developed to predict the effect of missense changes on protein structure and function (PolyPhen-2) suggests that this variant is likely to be tolerated. In summary, the available evidence is currently insufficient to determine the role of this variant in disease. Therefore, it has been classified as a Variant of Uncertain Significance.

NM_005251.3(FOXC2):c.509A>G (p.Lys170Arg)

Gene: FOXC2 (forkhead box C2; plus strand). Cytogenetic location: 16q24.1.
Variant type: single nucleotide variant.
Coding change: c.509A>G on transcript NM_005251.3 (MANE Select); coding-DNA position 509, A replaced by G.
Protein change: p.Lys170Arg; replaces lysine 170 with arginine.
Molecular consequence: missense variant.
Genome position (GRCh38, 1-based): chr16:86,567,844, A>G. VCF-style: chr16-86567844-A-G. GRCh37 (hg19) VCF-style: chr16-86601450-A-G.
Other names: short protein forms K170R.
Identifiers: ClinVar variation 3702598 (VCV003702598.3).